The following is an entry in ClinVar:

ClinVar aggregate classification (germline): Conflicting classifications of pathogenicity. Review status: criteria provided, conflicting classifications (1 of 4 stars). 13 submissions from 13 submitters: Likely pathogenic (4); Uncertain significance (9). Last evaluated 2026-08-01.

Conditions:
Cardiovascular phenotype. Identifiers: MedGen CN230736.
Cardiomyopathy (CMYO). Also called: Cardiomyopathies. Identifiers: Orphanet 167848, MedGen C0878544, MONDO:0004994, HP:0001638. Inheritance: Various modes of inheritance.
Hypertrophic cardiomyopathy 1 (CMH1). Also called: MYH7-Related Familial Hypertrophic Cardiomyopathy; Familial hypertrophic cardiomyopathy 1. Identifiers: MedGen C3495498, MONDO:0008647, OMIM 192600.
Dilated cardiomyopathy 1S (CMD1S). Identifiers: Orphanet 154, Orphanet 54260, MedGen C1834481, MONDO:0013262, OMIM 613426.
Hypertrophic cardiomyopathy. Also called: HYPERTROPHIC MYOCARDIOPATHY. Identifiers: Orphanet 217569, MedGen C0007194, MeSH D002312, MONDO:0005045, HP:0001639.

Allele frequency attached by ClinVar (database versions not stated): gnomAD 0.00002; gnomAD exomes 0.00001; TOPMed 0.00001.

Submissions 1 to 8 of 13:

CeGaT Center for Human Genetics Tuebingen
Classification: Uncertain significance. Last evaluated: 2026-08-01. Review status: criteria provided, single submitter. Criteria: CeGaT Center For Human Genetics Tuebingen Variant Classification Criteria Version 2. Collection method: clinical testing. Allele origin: germline. Affected: yes. Observed: 3 variant alleles.
Comment: MYH7: PM2, PP3

Ambry Genetics
Classification: Uncertain significance for Cardiovascular phenotype. Last evaluated: 2026-04-20. Review status: criteria provided, single submitter. Criteria: Ambry Variant Classification Scheme 2023. Collection method: clinical testing. Allele origin: germline.
Comment: The p.R1344Q variant (also known as c.4031G>A), located in coding exon 28 of the MYH7 gene, results from a G to A substitution at nucleotide position 4031. The arginine at codon 1344 is replaced by glutamine, an amino acid with highly similar properties. This alteration has been reported in multiple individuals with hypertrophic cardiomyopathy (HCM) as well as once in a sudden unexplained death (SUD) cohort (Marsiglia JD et al. Am. Heart J., 2013 Oct;166:775-82; Bos JM et al. Mayo Clin. Proc., 2014 Jun;89:727-37; Arad M et al. Isr. Med. Assoc. J., 2014 Nov;16:707-13; Homburger JR et al. Proc. Natl. Acad. Sci. U.S.A., 2016 06;113:6701-6; Cirino AL et al. Circ Cardiovasc Genet, 2017 Oct;10:; Gando I et al. Forensic Sci. Int., 2019 Aug;301:289-298). This amino acid position is highly conserved in available vertebrate species. In addition, the in silico prediction for this alteration is inconclusive. Since supporting evidence is limited at this time, the clinical significance of this alteration remains unclear.

3billion
Classification: Uncertain significance for Hypertrophic cardiomyopathy 1. Last evaluated: 2026-02-09. Review status: criteria provided, single submitter. Criteria: ACMG Guidelines, 2015. Collection method: clinical testing. Allele origin: germline. Inheritance: Autosomal dominant inheritance. Affected: yes.
Comment: The variant is observed at an extremely low frequency in the gnomAD v2.1.1 dataset (total allele frequency: 0.001%). Predicted Consequence/Location: Missense variant In silico tool predictions suggest damaging effect of the variant on gene or gene product (REVEL: 0.74; 3Cnet: 0.20). Same nucleotide change resulting in same amino acid change has been previously reported as pathogenic/likely pathogenic with strong evidence (ClinVar ID: VCV000208597 /PMID: 24093860). A different missense change at the same codon (p.Arg1344Trp) has been reported to be associated with MYH7 related disorder (PMID: 22464770). However the evidence of pathogenicity is insufficient at this time. Therefore, this variant is classified as VUS according to the recommendation of ACMG/AMP guideline.

Labcorp Genetics (formerly Invitae), Labcorp
Classification: Likely pathogenic for Hypertrophic cardiomyopathy. Last evaluated: 2026-01-13. Review status: criteria provided, single submitter. Criteria: Invitae Variant Classification Sherloc (09022015). Collection method: clinical testing. Allele origin: germline.
Comment: This sequence change replaces arginine, which is basic and polar, with glutamine, which is neutral and polar, at codon 1344 of the MYH7 protein (p.Arg1344Gln). This variant is present in population databases (rs797045097, gnomAD 0.005%). This missense change has been observed in individuals with hypertrophic cardiomyopathy (PMID: 24093860, 24793961, 25558701, 27247418, 29030401, 32528171, 32894683). ClinVar contains an entry for this variant (Variation ID: 208597). Invitae Evidence Modeling of protein sequence and biophysical properties (such as structural, functional, and spatial information, amino acid conservation, physicochemical variation, residue mobility, and thermodynamic stability) indicates that this missense variant is expected to disrupt MYH7 protein function with a positive predictive value of 95%. In summary, the currently available evidence indicates that the variant is pathogenic, but additional data are needed to prove that conclusively. Therefore, this variant has been classified as Likely Pathogenic.

Color Diagnostics, LLC DBA Color Health
Classification: Uncertain significance for Cardiomyopathy. Last evaluated: 2025-07-01. Review status: criteria provided, single submitter. Criteria: ACMG Guidelines, 2015. Collection method: clinical testing. Allele origin: germline.
Comment: This missense variant replaces arginine with glutamine at codon 1344 of the MYH7 protein. Computational prediction suggests that this variant may have a deleterious impact on protein structure and function. To our knowledge, functional studies have not been reported for this variant. This variant has been reported in four unrelated individuals affected with hypertrophic cardiomyopathy (PMID: 24093860, 24793961, 25558701, 29030401, 32894683), in an individual affected with left ventricular noncompaction (PMID: 34853230), in an individual affected with sudden unexplained death (PMID: 31195250), and in an individual affected with neuromuscular disease (PMID: 32528171). This variant has been identified in 4/282350 chromosomes in the general population by the Genome Aggregation Database (gnomAD). The available evidence is insufficient to determine the role of this variant in disease conclusively. Therefore, this variant is classified as a Variant of Uncertain Significance.

Regional Center For Medical Genetics Timis, Louis Turcanu Emergency Hospital for Children Timisoara
Classification: Likely pathogenic for Hypertrophic cardiomyopathy 1. Last evaluated: 2025-04-22. Review status: criteria provided, single submitter. Criteria: ACMG Guidelines, 2015. Collection method: clinical testing. Allele origin: germline. Affected: no.
Comment: The variant is present in the presumed healthy population at a very low frequency (gnomAD v4.1.0, allele frequency = 0.00001177; PM2_Supporting). The variant has been reported in multiple individuals with hypertrophic cardiomyopathy (PMID: 24093860, 24793961, 25558701, 27247418, 29030401, 32528171, 32894683; PS4_Moderate). It has also been reported in a cohort of patients with limb-girdle myopathy, without a specified cardiac phenotype (PMID: 32528171). In other reported cases, the maximum wall thickness was 17 mm, while some carriers showed no clinical manifestations (PMID: 29030401). In silico predictions support a deleterious effect (PP3). Based on the available evidence, this variant is classified as likely pathogenic.

Molecular Diagnostic Laboratory for Inherited Cardiovascular Disease, Montreal Heart Institute
Classification: Uncertain significance for Cardiovascular phenotype. Last evaluated: 2025-04-09. Review status: criteria provided, single submitter. Criteria: ACMG Guidelines, 2015. Collection method: clinical testing. Allele origin: germline. Affected: yes.
Comment: PS4_mod, PM2, PP3

All of Us Research Program, National Institutes of Health
Classification: Uncertain significance for Cardiomyopathy. Last evaluated: 2024-08-06. Review status: criteria provided, single submitter. Criteria: ACMG Guidelines, 2015. Collection method: clinical testing. Allele origin: germline. Inheritance: Autosomal dominant inheritance. Observed: 8 variant alleles, 8 heterozygotes.
Comment: This missense variant replaces arginine with glutamine at codon 1344 of the MYH7 protein. Computational prediction suggests that this variant may have deleterious impact on protein structure and function (internally defined REVEL score threshold >= 0.7, PMID: 27666373). To our knowledge, functional studies have not been reported for this variant. This variant has been reported in four unrelated individuals affected with hypertrophic cardiomyopathy (PMID: 24093860, 24793961, 25558701, 29030401, 32894683), in an individual affected with left ventricular noncompaction (PMID: 34853230), and in an individual affected with sudden unexplained death (PMID: 31195250). This variant has been identified in 4/282350 chromosomes in the general population by the Genome Aggregation Database (gnomAD). The available evidence is insufficient to determine the role of this variant in disease conclusively. Therefore, this variant is classified as a Variant of Uncertain Significance.

This study involves interpretation of variants in research participants for the purpose of population health screening. Participant phenotype was not available at the time of variant classification. Additional details can be found in publication PMID: 35346344, PMCID: PMC8962531

NM_000257.4(MYH7):c.4031G>A (p.Arg1344Gln)

Gene: MYH7 (myosin heavy chain 7; minus strand). Cytogenetic location: 14q11.2.
Variant type: single nucleotide variant.
Coding change: c.4031G>A on transcript NM_000257.4 (MANE Select); coding-DNA position 4031, G replaced by A.
Protein change: p.Arg1344Gln; replaces arginine 1344 with glutamine.
Molecular consequence: missense variant.
Genome position (GRCh38, 1-based): chr14:23,418,348, C>T on the plus strand (G>A on the coding strand, the complement: MYH7 is on the minus strand). VCF-style: chr14-23418348-C-T. GRCh37 (hg19) VCF-style: chr14-23887557-C-T.
Other names: short protein forms R1344Q.
Identifiers: ClinVar variation 208597 (VCV000208597.49), dbSNP rs797045097, ClinGen allele CA276011.
Genomic context (GRCh38, chr14:23,418,348, plus strand): 5'-GCCTTGGAAAGGACGCGCTGCAGCTCGGCCTTGGCCTCCGTCTCCTCCTCGTACTGCTCC[C>T]GCAGCAGGTCGCAGTCATGCCGGGCCGACTGCAGTGCGTGGGCCAGGGCGTTCTTCGCCT-3'
Protein context (NP_000248.2, residues 1334-1354): QSARHDCDLL[Arg1344Gln]EQYEEETEAK